The following is an entry in ClinVar:

NM_021930.6(RINT1):c.729C>G (p.Phe243Leu)

Gene: RINT1 (RAD50 interactor 1; plus strand). Cytogenetic location: 7q22.3.
Variant type: single nucleotide variant.
Coding change: c.729C>G on transcript NM_021930.6 (MANE Select); coding-DNA position 729, C replaced by G.
Protein change: p.Phe243Leu; replaces phenylalanine 243 with leucine.
Molecular consequence: missense variant. On other transcripts: 5 prime UTR variant (2), non-coding transcript variant (1), intron variant (1).
Genome position (GRCh38, 1-based): chr7:105,547,223, C>G. VCF-style: chr7-105547223-C-G. GRCh37 (hg19) VCF-style: chr7-105187670-C-G.
Other names: c.495C>G, p.Phe165Leu (NM_001346599.2); c.-291C>G (NM_001346600.2); c.-194C>G (NM_001346601.2); c.-27-2832C>G (NM_001346603.2); short protein forms F165L, F243L.
Identifiers: ClinVar variation 2105907 (VCV002105907.4), dbSNP rs2485123836, ClinGen allele CA368806266.

ClinVar aggregate classification (germline): Uncertain significance (1 of 4 stars; one submission).

Submission:

Labcorp Genetics (formerly Invitae), Labcorp
Classification: Uncertain significance. Last evaluated: 2022-03-22. Review status: criteria provided, single submitter. Criteria: Invitae Variant Classification Sherloc (09022015). Collection method: clinical testing. Allele origin: germline.
Comment: In summary, the available evidence is currently insufficient to determine the role of this variant in disease. Therefore, it has been classified as a Variant of Uncertain Significance. Algorithms developed to predict the effect of missense changes on protein structure and function (SIFT, PolyPhen-2, Align-GVGD) all suggest that this variant is likely to be tolerated. This variant has not been reported in the literature in individuals affected with RINT1-related conditions. This variant is not present in population databases (gnomAD no frequency). This sequence change replaces phenylalanine, which is neutral and non-polar, with leucine, which is neutral and non-polar, at codon 243 of the RINT1 protein (p.Phe243Leu).